The following is an entry in ClinVar:

NM_000059.4(BRCA2):c.6391A>C (p.Lys2131Gln)

Gene: BRCA2 (BRCA2 DNA repair associated; plus strand). Cytogenetic location: 13q13.1.
Variant type: single nucleotide variant.
Coding change: c.6391A>C on transcript NM_000059.4 (MANE Select); coding-DNA position 6391, A replaced by C.
Protein change: p.Lys2131Gln; replaces lysine 2131 with glutamine.
Molecular consequence: missense variant.
Genome position (GRCh38, 1-based): chr13:32,340,746, A>C. VCF-style: chr13-32340746-A-C. GRCh37 (hg19) VCF-style: chr13-32914883-A-C.
Other names: short protein forms K2131Q.
Identifiers: ClinVar variation 1368401 (VCV001368401.10), dbSNP rs2137527027, ClinGen allele CA387789213.

ClinVar aggregate classification (germline): Conflicting classifications of pathogenicity. Review status: criteria provided, conflicting classifications (1 of 4 stars). 3 submissions from 3 submitters: Uncertain significance (2); Likely benign (1). Last evaluated 2023-03-23.

Conditions:
Hereditary breast ovarian cancer syndrome. Also called: Breast and ovarian cancer; BRCA1- and BRCA2-Associated Hereditary Breast and Ovarian Cancer; Hereditary breast and ovarian cancer; Hereditary breast and ovarian cancer syndrome (HBOC); Hereditary breast and ovarian cancer syndrome; Hereditary breast and/or ovarian cancer syndrome. Identifiers: Orphanet 145, MedGen C0677776, MeSH D061325, MONDO:0003582. Disease mechanism: loss of function.
Hereditary cancer-predisposing syndrome. Also called: Hereditary neoplastic syndrome; Hereditary Cancer Syndrome; Tumor predisposition; Neoplastic Syndromes, Hereditary. Identifiers: Orphanet 140162, MedGen C0027672, MeSH D009386, MONDO:0015356.

Submissions (3):

University of Washington Department of Laboratory Medicine, University of Washington
Classification: Likely benign for Hereditary cancer-predisposing syndrome. Last evaluated: 2023-03-23. Review status: criteria provided, single submitter. Criteria: Dines et al. (Genet Med. 2020). Collection method: curation. Allele origin: germline.
Comment: Missense variant in a coldspot region where missense variants are very unlikely to be pathogenic (PMID:31911673).

BRCA2 exon 11 coldspot. Reclassification based on statistical prior probability.

Labcorp Genetics (formerly Invitae), Labcorp
Classification: Uncertain significance for Hereditary breast ovarian cancer syndrome. Last evaluated: 2021-07-18. Review status: criteria provided, single submitter. Criteria: Invitae Variant Classification Sherloc (09022015). Collection method: clinical testing. Allele origin: germline.
Comment: In summary, the available evidence is currently insufficient to determine the role of this variant in disease. Therefore, it has been classified as a Variant of Uncertain Significance. Advanced modeling of protein sequence and biophysical properties (such as structural, functional, and spatial information, amino acid conservation, physicochemical variation, residue mobility, and thermodynamic stability) performed at Invitae indicates that this missense variant is not expected to disrupt BRCA2 protein function. This variant has not been reported in the literature in individuals affected with BRCA2-related conditions. This variant is not present in population databases (ExAC no frequency). This sequence change replaces lysine with glutamine at codon 2131 of the BRCA2 protein (p.Lys2131Gln). The lysine residue is weakly conserved and there is a small physicochemical difference between lysine and glutamine.

Blueprint Genetics
Classification: Uncertain significance. Last evaluated: 2020-01-31. Review status: criteria provided, single submitter. Criteria: ACMG Guidelines, 2015. Collection method: clinical testing. Allele origin: germline.